The following is an entry in ClinVar:

NM_002047.4(GARS1):c.1643C>G (p.Thr548Arg)

Gene: GARS1 (glycyl-tRNA synthetase 1; plus strand). Cytogenetic location: 7p14.3.
Variant type: single nucleotide variant.
Coding change: c.1643C>G on transcript NM_002047.4 (MANE Select); coding-DNA position 1643, C replaced by G.
Protein change: p.Thr548Arg; replaces threonine 548 with arginine.
Molecular consequence: missense variant.
Genome position (GRCh38, 1-based): chr7:30,626,263, C>G. VCF-style: chr7-30626263-C-G. GRCh37 (hg19) VCF-style: chr7-30665879-C-G.
Other names: c.1481C>G, p.Thr494Arg (NM_001316772.1); c.1643C>G (LRG_243t1); short protein forms T548R, T494R.
Identifiers: ClinVar variation 246485 (VCV000246485.2), dbSNP rs541222096, ClinGen allele CA10584283.
Genomic context (GRCh38, chr7:30,626,263, plus strand): 5'-CTAATACAAAATGTGTTTTGTTTCTTCGTAGGGAATTCACAATTGAAACTGAAGGGAAAA[C>G]ATTTCAGTTAACAAAAGACATGATCAATGTGAAGAGATTCCAGAAAACACTATATGGTAA-3'
Protein context (NP_002038.2, residues 538-558): GEFTIETEGK[Thr548Arg]FQLTKDMINV

ClinVar aggregate classification (germline): Uncertain significance (1 of 4 stars; one submission).

Submission:

GeneDx
Classification: Uncertain significance. Last evaluated: 2018-06-25. Review status: criteria provided, single submitter. Criteria: GeneDx Variant Classification (06012015). Collection method: clinical testing. Allele origin: germline. Affected: yes.
Comment: The T548R variant in the GARS gene has not been reported previously as a pathogenic variant, nor as a benign variant, to our knowledge. The T548R variant was not observed in approximately 5,900 individuals of European and African American ancestry in the NHLBI Exome Sequencing Project, indicating it is not a common benign variant in these populations. The T548R variant is a semi-conservative amino acid substitution, which may impact secondary protein structure as these residues differ in some properties. This substitution occurs at a position where amino acids with similar properties to Threonine are tolerated across species. In silico analysis is inconsistent in its predictions as to whether or not the variant is damaging to the protein structure/function. We interpret T548R as a variant of uncertain significance.